The following is an entry in ClinVar:

ClinVar aggregate classification (germline): Likely benign (1 of 4 stars; one submission).

Submission:

CeGaT Center for Human Genetics Tuebingen
Classification: Likely benign. Last evaluated: 2026-09-01. Review status: criteria provided, single submitter. Criteria: CeGaT Center For Human Genetics Tuebingen Variant Classification Criteria Version 2. Collection method: clinical testing. Allele origin: germline. Affected: yes. Observed: 1 variant allele.
Comment: CAPRIN1: BP4, BP7

NM_005898.5(CAPRIN1):c.1092A>G (p.Ala364=)

Gene: CAPRIN1 (cell cycle associated protein 1; plus strand). Cytogenetic location: 11p13.
Variant type: single nucleotide variant.
Coding change: c.1092A>G on transcript NM_005898.5 (MANE Select); coding-DNA position 1092, A replaced by G.
Protein change: p.Ala364=; no amino-acid change (alanine 364 retained).
Molecular consequence: synonymous variant.
Genome position (GRCh38, 1-based): chr11:34,086,189, A>G. VCF-style: chr11-34086189-A-G. GRCh37 (hg19) VCF-style: chr11-34107736-A-G.
Other names: c.1092A>G, p.Ala364= (NM_203364.3).
Identifiers: ClinVar variation 5041557 (VCV005041557.1).
Genomic context (GRCh38, chr11:34,086,189, plus strand): 5'-GACTCCAGTGGCTCAGGCAGATCCCCTTGTGAGAAGACAGCGAGTACAAGACCTTATGGC[A>G]CAAATGCAGGGTCCCTATAATTTCATACAGGTATGTTCATTTTAGTCAGACTCTGTAACA-3'
Protein context (NP_005889.3, residues 354-374): VRRQRVQDLM[Ala364=]QMQGPYNFIQ